The following is an entry in ClinVar:

ClinVar aggregate classification (germline): Benign. Review status: criteria provided, multiple submitters, no conflicts (2 of 4 stars). 4 submissions from 4 submitters: Benign (4). Last evaluated 2018-06-14.

Allele frequency attached by ClinVar (database versions not stated): ESP Exome Variant Server 0.48255; TOPMed 0.50066; gnomAD 0.50435 and 0.51078; 1000 Genomes Project 30x 0.54794; 1000 Genomes Project 0.55132; gnomAD exomes 0.55167 and 0.56763; ExAC 0.56202.
gnomAD v4.1: 884,098 of 1,613,216 alleles (55%); highest among the groups gnomAD compares: East Asian, 69%; 244,808 homozygotes.

Submissions (4):

GeneDx
Classification: Benign. Last evaluated: 2018-06-14. Review status: criteria provided, single submitter. Criteria: GeneDx Variant Classification (06012015). Collection method: clinical testing. Allele origin: germline. Affected: yes.
Comment: This variant is considered likely benign or benign based on one or more of the following criteria: it is a conservative change, it occurs at a poorly conserved position in the protein, it is predicted to be benign by multiple in silico algorithms, and/or has population frequency not consistent with disease.

Eurofins Ntd Llc (ga)
Classification: Benign. Last evaluated: 2012-08-23. Review status: criteria provided, single submitter. Criteria: EGL Classification Definitions 2015. Collection method: clinical testing. Allele origin: germline. Observed: 42 variant alleles, 24 heterozygotes, 18 homozygotes.

Breakthrough Genomics
Classification: Benign. Review status: criteria provided, single submitter. Criteria: ACMG Guidelines, 2015. Collection method: not provided. Allele origin: germline. Inheritance: Autosomal recessive inheritance. Affected: yes.

PreventionGenetics, part of Exact Sciences
Classification: Benign. Review status: criteria provided, single submitter. Criteria: ACMG Guidelines, 2015. Collection method: clinical testing. Allele origin: germline.

NM_001848.3(COL6A1):c.2251-29C>T

Gene: COL6A1 (collagen type VI alpha 1 chain; plus strand). Cytogenetic location: 21q22.3.
Variant type: single nucleotide variant.
Coding change: c.2251-29C>T on transcript NM_001848.3 (MANE Select); 29 bases into the intron before coding-DNA position 2251, C replaced by T.
Molecular consequence: intron variant.
Genome position (GRCh38, 1-based): chr21:46,002,498, C>T. VCF-style: chr21-46002498-C-T. GRCh37 (hg19) VCF-style: chr21-47422412-C-T.
Identifiers: ClinVar variation 93850 (VCV000093850.7), dbSNP rs35796750, ClinGen allele CA147366.